The following is an entry in ClinVar:

ClinVar aggregate classification (germline): Likely benign. Review status: criteria provided, multiple submitters, no conflicts (2 of 4 stars). 3 submissions from 3 submitters: Likely benign (3). Last evaluated 2025-10-10.

Conditions:
NPC1-related disorder. Also called: NPC1-related condition.
Inborn genetic diseases. Identifiers: MedGen C0950123, MeSH D030342.
Niemann-Pick disease, type C1. Also called: NIEMANN-PICK DISEASE, VARIANT TYPE C1; NEUROVISCERAL STORAGE DISEASE WITH VERTICAL SUPRANUCLEAR OPHTHALMOPLEGIA; NIEMANN-PICK DISEASE WITH CHOLESTEROL ESTERIFICATION BLOCK; NIEMANN-PICK DISEASE WITHOUT SPHINGOMYELINASE DEFICIENCY; NIEMANN-PICK DISEASE, CHRONIC NEURONOPATHIC FORM. Identifiers: Orphanet 646, MedGen C3179455, MONDO:0009757, OMIM 257220.

Allele frequency attached by ClinVar (database versions not stated): gnomAD 0.00001; gnomAD exomes 0.00001 and 0.00002; TOPMed 0.00001; ExAC 0.00002; 1000 Genomes Project 30x 0.00016; 1000 Genomes Project 0.00020.
gnomAD v4.1: 25 of 1,614,138 alleles (0.0015%); highest among the groups gnomAD compares: South Asian, 0.0022%; no homozygotes.

Submissions (3):

Ambry Genetics
Classification: Likely benign for Inborn genetic diseases. Last evaluated: 2025-10-10. Review status: criteria provided, single submitter. Criteria: Ambry Variant Classification Scheme 2023. Collection method: clinical testing. Allele origin: germline.

Labcorp Genetics (formerly Invitae), Labcorp
Classification: Likely benign for Niemann-Pick disease, type C1. Last evaluated: 2025-06-03. Review status: criteria provided, single submitter. Criteria: Invitae Variant Classification Sherloc (09022015). Collection method: clinical testing. Allele origin: germline.

PreventionGenetics, part of Exact Sciences
Classification: Likely benign for NPC1-related condition. Last evaluated: 2025-03-30. Review status: criteria provided, single submitter. Criteria: ACMG Guidelines, 2015. Collection method: clinical testing. Allele origin: germline.
Comment: This variant is classified as likely benign based on ACMG/AMP sequence variant interpretation guidelines (Richards et al. 2015 PMID: 25741868, with internal and published modifications).

NM_000271.5(NPC1):c.798C>T (p.Asp266=)

Gene: NPC1 (NPC intracellular cholesterol transporter 1; minus strand). Cytogenetic location: 18q11.2.
Variant type: single nucleotide variant.
Coding change: c.798C>T on transcript NM_000271.5 (MANE Select); coding-DNA position 798, C replaced by T.
Protein change: p.Asp266=; no amino-acid change (aspartic acid 266 retained).
Molecular consequence: synonymous variant.
Genome position (GRCh38, 1-based): chr18:23,560,314, G>A on the plus strand (C>T on the coding strand, the complement: NPC1 is on the minus strand). VCF-style: chr18-23560314-G-A. GRCh37 (hg19) VCF-style: chr18-21140278-G-A.
Other names: c.798C>T (NM_000271.4).
Identifiers: ClinVar variation 1108562 (VCV001108562.11), dbSNP rs199887728, ClinGen allele CA8913639.